The following is an entry in ClinVar:

NM_001366385.1(CARD14):c.1909G>A (p.Glu637Lys)

Genes: SGSH (N-sulfoglucosamine sulfohydrolase; minus strand), CARD14 (caspase recruitment domain family member 14; plus strand). Cytogenetic location: 17q25.3.
Variant type: single nucleotide variant.
Coding change: c.1909G>A on transcript NM_001366385.1 (MANE Select); coding-DNA position 1909, G replaced by A.
Protein change: p.Glu637Lys; replaces glutamic acid 637 with lysine.
Molecular consequence: missense variant. On other transcripts: non-coding transcript variant (1).
Genome position (GRCh38, 1-based): chr17:80,201,801, G>A. VCF-style: chr17-80201801-G-A. GRCh37 (hg19) VCF-style: chr17-78175600-G-A.
Other names: c.1909G>A, p.Glu637Lys (NM_001257970.1, NM_024110.4); short protein forms E637K.
Identifiers: ClinVar variation 1353441 (VCV001353441.6), dbSNP rs2144429872, ClinGen allele CA401352523.
Genomic context (GRCh38, chr17:80,201,801, plus strand): 5'-CAGGTTGATTACGAAGCCTCAGAGCCCTTGTTCAAGGCAGTCCTGGAGGACACGACCCTG[G>A]AGGAGGCCGTGGGGCTTCTCAGGAGGGTGGACGGCTTCTGCTGCCTGTCTGTGAAGGTCA-3'
Protein context (NP_001353314.1, residues 627-647): FKAVLEDTTL[Glu637Lys]EAVGLLRRVD

ClinVar aggregate classification (germline): Uncertain significance (1 of 4 stars; one submission).

Conditions:
Pityriasis rubra pilaris (PRP). Also called: Pityriasis rubra pilaris--familial type. Identifiers: Orphanet 2897, MedGen C0032027, MONDO:0100017, OMIM 173200, MONDO:0008251.
Psoriasis 2. Identifiers: MedGen C1864497, MONDO:0011269, OMIM 602723.

Submission:

Labcorp Genetics (formerly Invitae), Labcorp
Classification: Uncertain significance for Pityriasis rubra pilaris; Psoriasis 2. Last evaluated: 2022-06-05. Review status: criteria provided, single submitter. Criteria: Invitae Variant Classification Sherloc (09022015). Collection method: clinical testing. Allele origin: germline.
Comment: This sequence change replaces glutamic acid, which is acidic and polar, with lysine, which is basic and polar, at codon 637 of the CARD14 protein (p.Glu637Lys). In summary, the available evidence is currently insufficient to determine the role of this variant in disease. Therefore, it has been classified as a Variant of Uncertain Significance. Algorithms developed to predict the effect of missense changes on protein structure and function are either unavailable or do not agree on the potential impact of this missense change (SIFT: "Deleterious"; PolyPhen-2: "Probably Damaging"; Align-GVGD: "Class C0"). ClinVar contains an entry for this variant (Variation ID: 1353441). This variant has not been reported in the literature in individuals affected with CARD14-related conditions. This variant is not present in population databases (gnomAD no frequency).